The following is an entry in ClinVar:

ClinVar aggregate classification (germline): Pathogenic (1 of 4 stars; one submission).

Conditions:
Telangiectasia, hereditary hemorrhagic, type 2 (HHT2). Also called: Telangiectasia, hereditary hemorrhagic, type II; ACVRL1-Related Hereditary Hemorrhagic Telangiectasia. Identifiers: Orphanet 774, MedGen C1838163, MONDO:0010880, OMIM 600376. Disease mechanism: loss of function.

Submission:

Labcorp Genetics (formerly Invitae), Labcorp
Classification: Pathogenic for Telangiectasia, hereditary hemorrhagic, type 2. Last evaluated: 2024-12-31. Review status: criteria provided, single submitter. Criteria: Invitae Variant Classification Sherloc (09022015). Collection method: clinical testing. Allele origin: germline.
Comment: This sequence change affects a donor splice site in intron 8 of the ACVRL1 gene. It is expected to disrupt RNA splicing. Variants that disrupt the donor or acceptor splice site typically lead to a loss of protein function (PMID: 16199547), and loss-of-function variants in ACVRL1 are known to be pathogenic (PMID: 15879500). This variant is not present in population databases (gnomAD no frequency). Disruption of this splice site has been observed in individuals with hereditary hemorrhagic telangiectasia (PMID: 16752392; internal data). Algorithms developed to predict the effect of sequence changes on RNA splicing suggest that this variant may disrupt the consensus splice site. For these reasons, this variant has been classified as Pathogenic.

Literature cited by the submitters: PubMed 16199547; PubMed 15879500; PubMed 16752392.

NM_000020.3(ACVRL1):c.1246+1G>T

Gene: ACVRL1 (activin A receptor like type 1; plus strand). Cytogenetic location: 12q13.13.
Variant type: single nucleotide variant.
Coding change: c.1246+1G>T on transcript NM_000020.3 (MANE Select); the canonical splice donor site of the intron after coding-DNA position 1246, G replaced by T.
Molecular consequence: splice donor variant. On other transcripts: intron variant (1).
Genome position (GRCh38, 1-based): chr12:51,916,234, G>T. VCF-style: chr12-51916234-G-T. GRCh37 (hg19) VCF-style: chr12-52310018-G-T.
Other names: c.1246+1G>T (NM_001406487.1, NM_001406488.1, NM_001077401.2 and 1 more transcripts); c.934+1G>T (NM_001406491.1, NM_001406490.1, NM_001406492.1 and 1 more transcripts); c.736+734G>T (NM_001406494.1); c.682+1G>T (NM_001406495.1).
Identifiers: ClinVar variation 3728340 (VCV003728340.2).